The following is an entry in ClinVar:

NM_032043.3(BRIP1):c.1030_1049del (p.Gly344fs)

Gene: BRIP1 (BRCA1 interacting DNA helicase 1; minus strand). Cytogenetic location: 17q23.2.
Variant type: Deletion.
Coding change: c.1030_1049del on transcript NM_032043.3 (MANE Select); coding-DNA positions 1030 to 1049, 20 bases deleted (GGGAAGAAACTAAAGGCCTG).
Protein change: p.Gly344fs; shifts the reading frame from glycine 344.
Molecular consequence: frameshift variant.
Genome position (GRCh38, 1-based): chr17:61,801,344-61,801,363, CAGGCCTTTAGTTTCTTCCC deleted on the plus strand (GGGAAGAAACTAAAGGCCTG on the coding strand, the reverse complement: BRIP1 is on the minus strand); deleting any 20 consecutive bases within chr17:61,801,344-61,801,368 gives the same sequence; the c. name uses the placement nearest the transcript's 3' end. VCF-style (leftmost placement, unchanged base first): chr17-61801343-ACAGGCCTTTAGTTTCTTCCC-A. GRCh37 (hg19) VCF-style: chr17-59878704-ACAGGCCTTTAGTTTCTTCCC-A.
Other names: short protein forms G344fs.
Identifiers: ClinVar variation 2936988 (VCV002936988.3), dbSNP rs2545153722, ClinGen allele CA2740093898.

ClinVar aggregate classification (germline): Pathogenic (1 of 4 stars; one submission).

Conditions:
Fanconi anemia complementation group J. Also called: BRIP1-Related Fanconi Anemia. Identifiers: Orphanet 84, MedGen C1836860, MONDO:0012187, OMIM 609054.
Familial cancer of breast. Also called: BREAST CANCER, FAMILIAL; Hereditary breast cancer; hereditary breast carcinoma. Identifiers: Orphanet 227535, MedGen C0346153, MONDO:0016419, OMIM 114480. Disease mechanism: loss of function.

Submission:

Labcorp Genetics (formerly Invitae), Labcorp
Classification: Pathogenic for Familial cancer of breast; Fanconi anemia complementation group J. Last evaluated: 2023-12-30. Review status: criteria provided, single submitter. Criteria: Invitae Variant Classification Sherloc (09022015). Collection method: clinical testing. Allele origin: germline.
Comment: This sequence change creates a premature translational stop signal (p.Gly344Serfs*13) in the BRIP1 gene. It is expected to result in an absent or disrupted protein product. Loss-of-function variants in BRIP1 are known to be pathogenic (PMID: 16116423, 17033622, 21964575). This variant is not present in population databases (gnomAD no frequency). This variant has not been reported in the literature in individuals affected with BRIP1-related conditions. For these reasons, this variant has been classified as Pathogenic.

Literature cited by the submitters: PubMed 16116423; PubMed 17033622; PubMed 21964575.